The following is an entry in ClinVar:

NM_000492.4(CFTR):c.1375T>A (p.Ser459Thr)

Genes: CFTR (CF transmembrane conductance regulator; plus strand), CFTR-AS1 (CFTR antisense RNA 1; minus strand). Cytogenetic location: 7q31.2.
Variant type: single nucleotide variant.
Coding change: c.1375T>A on transcript NM_000492.4 (MANE Select); coding-DNA position 1375, T replaced by A.
Protein change: p.Ser459Thr; replaces serine 459 with threonine.
Molecular consequence: missense variant.
Genome position (GRCh38, 1-based): chr7:117,548,806, T>A. VCF-style: chr7-117548806-T-A. GRCh37 (hg19) VCF-style: chr7-117188860-T-A.
Other names: short protein forms S459T.
Identifiers: ClinVar variation 4643169 (VCV004643169.1).

ClinVar aggregate classification (germline): Uncertain significance (1 of 4 stars; one submission).

Conditions:
Cystic fibrosis (CF). Also called: MUCOVISCIDOSIS. Identifiers: Orphanet 586, MedGen C0010674, MONDO:0009061, OMIM 219700. Disease mechanism: loss of function.

gnomAD v4.1: 1 of 1,610,570 alleles (0.000062%); highest among the groups gnomAD compares: African/African-American, 0.0013%; no homozygotes.

Submission:

Ambry Genetics
Classification: Uncertain significance for Cystic fibrosis. Last evaluated: 2025-12-05. Review status: criteria provided, single submitter. Criteria: Ambry Variant Classification Scheme 2023. Collection method: clinical testing. Allele origin: germline.
Comment: The p.S459T variant (also known as c.1375T>A), located in coding exon 10 of the CFTR gene, results from a T to A substitution at nucleotide position 1375. The serine at codon 459 is replaced by threonine, an amino acid with similar properties. This amino acid position is conserved. In addition, the in silico prediction for this alteration is inconclusive. Based on the available evidence, the clinical significance of this variant remains unclear.